The following is an entry in ClinVar:

ClinVar aggregate classification (germline): Likely benign (0 of 4 stars; one submission).

Conditions:
RERE-related disorder. Also called: RERE-Related Disorders; RERE-related condition. Identifiers: MedGen CN381537.

Allele frequency attached by ClinVar (database versions not stated): ExAC 0.00002; gnomAD 0.00007; TOPMed 0.00008.
gnomAD v4.1: 218 of 1,611,142 alleles (0.014%); highest among the groups gnomAD compares: Non-Finnish European, 0.017%; no homozygotes.

Submission:

PreventionGenetics, part of Exact Sciences
Classification: Likely benign for RERE-related condition. Last evaluated: 2023-12-11. Review status: no assertion criteria provided. Collection method: clinical testing. Allele origin: germline.
Comment: This variant is classified as likely benign based on ACMG/AMP sequence variant interpretation guidelines (Richards et al. 2015 PMID: 25741868, with internal and published modifications).

NM_001042681.2(RERE):c.1479C>T (p.Phe493=)

Gene: RERE (arginine-glutamic acid dipeptide repeats; minus strand). Cytogenetic location: 1p36.23.
Variant type: single nucleotide variant.
Coding change: c.1479C>T on transcript NM_001042681.2 (MANE Select); coding-DNA position 1479, C replaced by T.
Protein change: p.Phe493=; no amino-acid change (phenylalanine 493 retained).
Molecular consequence: synonymous variant. On other transcripts: 5 prime UTR variant (1).
Genome position (GRCh38, 1-based): chr1:8,364,807, G>A on the plus strand (C>T on the coding strand, the complement: RERE is on the minus strand). VCF-style: chr1-8364807-G-A. GRCh37 (hg19) VCF-style: chr1-8424867-G-A.
Other names: c.-184C>T (NM_001042682.2); c.1479C>T, p.Phe493= (NM_012102.4).
Identifiers: ClinVar variation 3034956 (VCV003034956.2), dbSNP rs762421610, ClinGen allele CA571690.